The following is an entry in ClinVar:

ClinVar aggregate classification (germline): Uncertain significance. Review status: criteria provided, multiple submitters, no conflicts (2 of 4 stars). 2 submissions from 2 submitters: Uncertain significance (2). Last evaluated 2026-01-21.

Conditions:
Inborn genetic diseases. Identifiers: MedGen C0950123, MeSH D030342.

Allele frequency attached by ClinVar (database versions not stated): TOPMed below 0.00001.
gnomAD v4.1: 5 of 1,613,062 alleles (0.00031%); highest among the groups gnomAD compares: Admixed American, 0.0017%; no homozygotes.

Submissions (2):

Labcorp Genetics (formerly Invitae), Labcorp
Classification: Uncertain significance. Last evaluated: 2026-01-21. Review status: criteria provided, single submitter. Criteria: Invitae Variant Classification Sherloc (09022015). Collection method: clinical testing. Allele origin: germline.
Comment: This sequence change replaces cysteine, which is neutral and slightly polar, with arginine, which is basic and polar, at codon 1313 of the SAMD9L protein (p.Cys1313Arg). This variant is present in population databases (no rsID available, gnomAD no frequency). This variant has not been reported in the literature in individuals affected with SAMD9L-related conditions. ClinVar contains an entry for this variant (Variation ID: 3157721). Invitae Evidence Modeling of protein sequence and biophysical properties (such as structural, functional, and spatial information, amino acid conservation, physicochemical variation, residue mobility, and thermodynamic stability) indicates that this missense variant is not expected to disrupt SAMD9L protein function with a negative predictive value of 80%. In summary, the available evidence is currently insufficient to determine the role of this variant in disease. Therefore, it has been classified as a Variant of Uncertain Significance.

Ambry Genetics
Classification: Uncertain significance for Inborn genetic diseases. Last evaluated: 2025-01-13. Review status: criteria provided, single submitter. Criteria: Ambry Variant Classification Scheme 2023. Collection method: clinical testing. Allele origin: germline.
Comment: The p.C1313R variant (also known as c.3937T>C), located in coding exon 1 of the SAMD9L gene, results from a T to C substitution at nucleotide position 3937. The cysteine at codon 1313 is replaced by arginine, an amino acid with highly dissimilar properties. This amino acid position is conserved. In addition, this alteration is predicted to be tolerated by in silico analysis. Based on the available evidence, the clinical significance of this variant remains unclear.

NM_152703.5(SAMD9L):c.3937T>C (p.Cys1313Arg)

Gene: SAMD9L (sterile alpha motif domain containing 9 like; minus strand). Cytogenetic location: 7q21.2.
Variant type: single nucleotide variant.
Coding change: c.3937T>C on transcript NM_152703.5 (MANE Select); coding-DNA position 3937, T replaced by C.
Protein change: p.Cys1313Arg; replaces cysteine 1313 with arginine.
Molecular consequence: missense variant.
Genome position (GRCh38, 1-based): chr7:93,132,035, A>G on the plus strand (T>C on the coding strand, the complement: SAMD9L is on the minus strand). VCF-style: chr7-93132035-A-G. GRCh37 (hg19) VCF-style: chr7-92761348-A-G.
Other names: c.3937T>C, p.Cys1313Arg (NM_001303496.3, NM_001303497.3, NM_001303498.3 and 5 more transcripts); short protein forms C1313R.
Identifiers: ClinVar variation 3157721 (VCV003157721.3), dbSNP rs934115714, ClinGen allele CA161958840.
Genomic context (GRCh38, chr7:93,132,035, plus strand): 5'-CTAGCTTTTTCCTGCAATTCTCCTCCTGGAGTAATTGACTCTCTTTACTTTGTAATAGAC[A>G]TGGATCCAAATGACAGAAAAGTTCTGTGTATTTCCTGAAACAACGACTGACTTTCTTGCT-3'
Protein context (NP_689916.2, residues 1303-1323): YTELFCHLDP[Cys1313Arg]LLQSKESQLL